The following is an entry in ClinVar:

ClinVar aggregate classification (germline): Uncertain significance. Review status: criteria provided, multiple submitters, no conflicts (2 of 4 stars). 5 submissions from 5 submitters: Uncertain significance (5). Last evaluated 2026-01-04.

Conditions:
Familial meningioma. Also called: Meningioma, familial, susceptibility to. Identifiers: Orphanet 263662, MedGen C3551915, MONDO:0011789, OMIM 607174.
Neurofibromatosis, type 2 (SWNV). Also called: BILATERAL ACOUSTIC NEUROFIBROMATOSIS; NF2-Related Schwannomatosis; SCHWANNOMATOSIS, VESTIBULAR. Identifiers: Orphanet 637, MedGen C0027832, MONDO:0007039, OMIM 101000. Disease mechanism: loss of function.
Hereditary cancer-predisposing syndrome. Also called: Neoplastic Syndromes, Hereditary; Hereditary Cancer Syndrome; Hereditary neoplastic syndrome; Tumor predisposition. Identifiers: Orphanet 140162, MedGen C0027672, MeSH D009386, MONDO:0015356.

Allele frequency attached by ClinVar (database versions not stated): gnomAD exomes below 0.00001; gnomAD 0.00001 and 0.00002; TOPMed 0.00004.
gnomAD v4.1: 7 of 1,613,738 alleles (0.00043%); highest among the groups gnomAD compares: Middle Eastern, 0.016%; no homozygotes.

Submissions (5):

Labcorp Genetics (formerly Invitae), Labcorp
Classification: Uncertain significance for Neurofibromatosis, type 2. Last evaluated: 2026-01-04. Review status: criteria provided, single submitter. Criteria: Invitae Variant Classification Sherloc (09022015). Collection method: clinical testing. Allele origin: germline.
Comment: This sequence change replaces leucine, which is neutral and non-polar, with valine, which is neutral and non-polar, at codon 306 of the NF2 protein (p.Leu306Val). This variant is not present in population databases (gnomAD no frequency). This variant has not been reported in the literature in individuals affected with NF2-related conditions. ClinVar contains an entry for this variant (Variation ID: 1046727). Invitae Evidence Modeling of protein sequence and biophysical properties (such as structural, functional, and spatial information, amino acid conservation, physicochemical variation, residue mobility, and thermodynamic stability) indicates that this missense variant is expected to disrupt NF2 protein function with a positive predictive value of 80%. In summary, the available evidence is currently insufficient to determine the role of this variant in disease. Therefore, it has been classified as a Variant of Uncertain Significance.

Ambry Genetics
Classification: Uncertain significance for Hereditary cancer-predisposing syndrome. Last evaluated: 2025-07-10. Review status: criteria provided, single submitter. Criteria: Ambry Variant Classification Scheme 2023. Collection method: clinical testing. Allele origin: germline.
Comment: The p.L306V variant (also known as c.916C>G), located in coding exon 10 of the NF2 gene, results from a C to G substitution at nucleotide position 916. The leucine at codon 306 is replaced by valine, an amino acid with highly similar properties. This amino acid position is highly conserved in available vertebrate species. In addition, this alteration is predicted to be deleterious by in silico analysis. Since supporting evidence is limited at this time, the clinical significance of this alteration remains unclear.

Color Diagnostics, LLC DBA Color Health
Classification: Uncertain significance for Neurofibromatosis, type 2. Last evaluated: 2024-04-03. Review status: criteria provided, single submitter. Criteria: ACMG Guidelines, 2015. Collection method: clinical testing. Allele origin: germline.
Comment: This missense variant replaces leucine with valine at codon 306 of the NF2 protein. Computational prediction suggests that this variant may have deleterious impact on protein structure and function. To our knowledge, functional studies have not been reported for this variant. This variant has not been reported in individuals affected with NF2-related disorders in the literature. This variant has not been identified in the general population by the Genome Aggregation Database (gnomAD). The available evidence is insufficient to determine the role of this variant in disease conclusively. Therefore, this variant is classified as a Variant of Uncertain Significance.

Baylor Genetics
Classification: Uncertain significance for Familial meningioma. Last evaluated: 2023-12-19. Review status: criteria provided, single submitter. Criteria: ACMG Guidelines, 2015. Collection method: clinical testing. Allele origin: unknown.

GeneDx
Classification: Uncertain significance. Last evaluated: 2022-07-29. Review status: criteria provided, single submitter. Criteria: GeneDx Variant Classification Process June 2021. Collection method: clinical testing. Allele origin: germline. Affected: yes.
Comment: Not observed at significant frequency in large population cohorts (gnomAD); In silico analysis supports that this missense variant has a deleterious effect on protein structure/function; Has not been previously published as pathogenic or benign to our knowledge; This variant is associated with the following publications: (PMID: 16324214)

NM_000268.4(NF2):c.916C>G (p.Leu306Val)

Gene: NF2 (NF2, moesin-ezrin-radixin like (MERLIN) tumor suppressor; plus strand). Cytogenetic location: 22q12.2.
Variant type: single nucleotide variant.
Coding change: c.916C>G on transcript NM_000268.4 (MANE Select); coding-DNA position 916, C replaced by G.
Protein change: p.Leu306Val; replaces leucine 306 with valine.
Molecular consequence: missense variant. On other transcripts: non-coding transcript variant (1), intron variant (1).
Genome position (GRCh38, 1-based): chr22:29,668,363, C>G. VCF-style: chr22-29668363-C-G. GRCh37 (hg19) VCF-style: chr22-30064352-C-G.
Other names: c.916C>G, p.Leu306Val (NM_016418.5, NM_181825.3, NM_181832.3); c.790C>G, p.Leu264Val (NM_181828.3); c.793C>G, p.Leu265Val (NM_181829.3); c.667C>G, p.Leu223Val (NM_181830.3, NM_181831.3); c.447+26078C>G (NM_181833.3); short protein forms L265V, L223V, L264V, L306V.
Identifiers: ClinVar variation 1046727 (VCV001046727.19), dbSNP rs1399716137, ClinGen allele CA411145679.
Genomic context (GRCh38, chr22:29,668,363, plus strand): 5'-TAACCTTTTTGTCTGCTTCTGTGGCCACAGATTCTCCAGCTATGTATCGGGAACCATGAT[C>G]TATTTATGAGGAGAAGGAAAGCCGATTCTTTGGAAGTTCAGCAGATGAAAGCCCAGGCCA-3'
Protein context (NP_000259.1, residues 296-316): ILQLCIGNHD[Leu306Val]FMRRRKADSL